The following is an entry in ClinVar:

ClinVar aggregate classification (germline): Pathogenic (1 of 4 stars; one submission).

Conditions:
Developmental and epileptic encephalopathy, 1 (DEE1). Also called: OHTAHARA SYNDROME, X-LINKED; INFANTILE SPASM SYNDROME, X-LINKED 1; X-linked infantile spasms; West's syndrome; Tonic spasms with clustering, arrest of psychomotor development and hypsarrhythmia on EEG; X-Linked Infantile Spasm Syndrome. Identifiers: MedGen C3463992, MONDO:0010632, OMIM 308350. Disease mechanism: loss of function.
Autosomal recessive spinocerebellar ataxia 12. Also called: SPINOCEREBELLAR ATAXIA WITH MENTAL RETARDATION AND EPILEPSY. Identifiers: Orphanet 284282, MedGen C3280452, MONDO:0013687, OMIM 614322.

gnomAD v4.1: 2 of 1,613,416 alleles (0.00012%); highest among the groups gnomAD compares: Non-Finnish European, 0.00017%; no homozygotes.

Submission:

Labcorp Genetics (formerly Invitae), Labcorp
Classification: Pathogenic for Developmental and epileptic encephalopathy, 1; Autosomal recessive spinocerebellar ataxia 12. Last evaluated: 2021-06-17. Review status: criteria provided, single submitter. Criteria: Invitae Variant Classification Sherloc (09022015). Collection method: clinical testing. Allele origin: germline.
Comment: Disruption of this splice site has been observed in individual(s) with autosomal recessive epileptic encephalopathy with cerebellar atrophy (PMID: 30853297). It has also been observed to segregate with disease in related individuals. Algorithms developed to predict the effect of sequence changes on RNA splicing suggest that this variant may disrupt the consensus splice site, but this prediction has not been confirmed by published transcriptional studies. For these reasons, this variant has been classified as Pathogenic. This sequence change affects an acceptor splice site in intron 5 of the WWOX gene. It is expected to disrupt RNA splicing. Variants that disrupt the donor or acceptor splice site typically lead to a loss of protein function (PMID: 16199547), and loss-of-function variants in WWOX are known to be pathogenic (PMID: 24456803, 25411445). This variant is not present in population databases (ExAC no frequency).

Literature cited by the submitters: PubMed 30853297; PubMed 16199547; PubMed 24456803; PubMed 25411445.

NM_016373.4(WWOX):c.517-1G>T

Gene: WWOX (WW domain containing oxidoreductase; plus strand). Cytogenetic location: 16q23.1.
Variant type: single nucleotide variant.
Coding change: c.517-1G>T on transcript NM_016373.4 (MANE Select); the canonical splice acceptor site of the intron before coding-DNA position 517, G replaced by T.
Molecular consequence: splice acceptor variant.
Genome position (GRCh38, 1-based): chr16:78,386,859, G>T. VCF-style: chr16-78386859-G-T. GRCh37 (hg19) VCF-style: chr16-78420756-G-T.
Other names: c.178-1G>T (NM_001291997.2).
Identifiers: ClinVar variation 1459088 (VCV001459088.8), dbSNP rs867163041, ClinGen allele CA396843832.